The following is an entry in ClinVar:

NM_016125.4(RNFT1):c.138C>T (p.His46=)

Gene: RNFT1 (ring finger protein, transmembrane 1; minus strand). Cytogenetic location: 17q23.1.
Variant type: single nucleotide variant.
Coding change: c.138C>T on transcript NM_016125.4 (MANE Select); coding-DNA position 138, C replaced by T.
Protein change: p.His46=; no amino-acid change (histidine 46 retained).
Molecular consequence: synonymous variant. On other transcripts: non-coding transcript variant (1).
Genome position (GRCh38, 1-based): chr17:59,963,203, G>A on the plus strand (C>T on the coding strand, the complement: RNFT1 is on the minus strand). VCF-style: chr17-59963203-G-A. GRCh37 (hg19) VCF-style: chr17-58040564-G-A.
Identifiers: ClinVar variation 2647991 (VCV002647991.24), dbSNP rs61751975, ClinGen allele CA8683408.

ClinVar aggregate classification (germline): Likely benign (1 of 4 stars; one submission).

Allele frequency attached by ClinVar (database versions not stated): 1000 Genomes Project 30x 0.00312; 1000 Genomes Project 0.00359; ESP Exome Variant Server 0.00531; TOPMed 0.00559; gnomAD 0.00596; ExAC 0.00611; gnomAD exomes 0.00714.

Submission:

CeGaT Center for Human Genetics Tuebingen
Classification: Likely benign. Last evaluated: 2022-12-01. Review status: criteria provided, single submitter. Criteria: CeGaT Center For Human Genetics Tuebingen Variant Classification Criteria Version 2. Collection method: clinical testing. Allele origin: germline. Affected: yes. Observed: 1 variant allele.
Comment: RNFT1: BP4, BP7, BS2